The following is an entry in ClinVar:

ClinVar aggregate classification (germline): Likely benign (0 of 4 stars; one submission).

Conditions:
RIPPLY1-related disorder. Also called: RIPPLY1-related condition.

Allele frequency attached by ClinVar (database versions not stated): gnomAD exomes 0.00009; ExAC 0.00048; TOPMed 0.00114; ESP Exome Variant Server 0.00175; 1000 Genomes Project 30x 0.00187; 1000 Genomes Project 0.00212; gnomAD 0.00089.
gnomAD v4.1: 203 of 1,209,306 alleles (0.017%); highest among the groups gnomAD compares: African/African-American, 0.27%; no homozygotes.

Submission:

PreventionGenetics, part of Exact Sciences
Classification: Likely benign for RIPPLY1-related condition. Last evaluated: 2022-03-21. Review status: no assertion criteria provided. Collection method: clinical testing. Allele origin: germline.
Comment: This variant is classified as likely benign based on ACMG/AMP sequence variant interpretation guidelines (Richards et al. 2015 PMID: 25741868, with internal and published modifications).

NM_138382.3(RIPPLY1):c.331C>T (p.Leu111=)

Genes: CLDN2 (claudin 2; plus strand), RIPPLY1 (ripply transcriptional repressor 1; minus strand). Cytogenetic location: Xq22.3.
Variant type: single nucleotide variant.
Coding change: c.331C>T on transcript NM_138382.3 (MANE Select); coding-DNA position 331, C replaced by T.
Protein change: p.Leu111=; no amino-acid change (leucine 111 retained).
Molecular consequence: synonymous variant. On other transcripts: intron variant (1).
Genome position (GRCh38, 1-based): chrX:106,900,874, G>A on the plus strand (C>T on the coding strand, the complement: RIPPLY1 is on the minus strand). VCF-style: chrX-106900874-G-A. GRCh37 (hg19) VCF-style: chrX-106144104-G-A.
Other names: c.-179+370G>A (NM_001171092.1); c.190C>T, p.Leu64= (NM_001171706.2).
Identifiers: ClinVar variation 3052211 (VCV003052211.2), dbSNP rs192157677, ClinGen allele CA10483562.